The following is an entry in ClinVar:

ClinVar aggregate classification (germline): Conflicting classifications of pathogenicity. Review status: criteria provided, conflicting classifications (1 of 4 stars). 3 submissions from 3 submitters: Uncertain significance (2); Likely benign (1). Last evaluated 2025-01-16.

Conditions:
Hereditary cancer-predisposing syndrome. Also called: Tumor predisposition; Neoplastic Syndromes, Hereditary; Hereditary Cancer Syndrome; Hereditary neoplastic syndrome. Identifiers: Orphanet 140162, MedGen C0027672, MeSH D009386, MONDO:0015356.
Tuberous sclerosis 2 (TSC2). Identifiers: Orphanet 805, MedGen C1860707, MONDO:0013199, OMIM 613254.

Allele frequency attached by ClinVar (database versions not stated): gnomAD exomes 0.00001.
gnomAD v4.1: 4 of 1,612,646 alleles (0.00025%); highest among the groups gnomAD compares: Non-Finnish European, 0.00025%; no homozygotes.

Submissions (3):

Ambry Genetics
Classification: Likely benign for Hereditary cancer-predisposing syndrome. Last evaluated: 2025-01-16. Review status: criteria provided, single submitter. Criteria: Ambry Variant Classification Scheme 2023. Collection method: clinical testing. Allele origin: germline.

Labcorp Genetics (formerly Invitae), Labcorp
Classification: Uncertain significance for Tuberous sclerosis 2. Last evaluated: 2024-07-27. Review status: criteria provided, single submitter. Criteria: Invitae Variant Classification Sherloc (09022015). Collection method: clinical testing. Allele origin: germline.
Comment: This sequence change affects codon 1753 of the TSC2 mRNA. It is a 'silent' change, meaning that it does not change the encoded amino acid sequence of the TSC2 protein. This variant also falls at the last nucleotide of exon 41, which is part of the consensus splice site for this exon. This variant is not present in population databases (gnomAD no frequency). This variant has not been reported in the literature in individuals affected with TSC2-related conditions. ClinVar contains an entry for this variant (Variation ID: 406042). Variants that disrupt the consensus splice site are a relatively common cause of aberrant splicing (PMID: 17576681, 9536098). RNA analysis performed to evaluate the impact of this variant on mRNA splicing indicates it does not significantly alter splicing (Invitae). In summary, the available evidence is currently insufficient to determine the role of this variant in disease. Therefore, it has been classified as a Variant of Uncertain Significance.

Quest Diagnostics Nichols Institute San Juan Capistrano
Classification: Uncertain significance. Last evaluated: 2023-12-27. Review status: criteria provided, single submitter. Criteria: Quest Diagnostics criteria. Collection method: clinical testing. Allele origin: unknown.

Literature cited by the submitters: PubMed 17576681 (cited by Labcorp Genetics (formerly Invitae), Labcorp); PubMed 9536098 (cited by Labcorp Genetics (formerly Invitae), Labcorp).

NM_000548.5(TSC2):c.5259G>A (p.Arg1753=)

Gene: TSC2 (TSC complex subunit 2; plus strand). Cytogenetic location: 16p13.3.
Variant type: single nucleotide variant.
Coding change: c.5259G>A on transcript NM_000548.5 (MANE Select); coding-DNA position 5259, G replaced by A.
Protein change: p.Arg1753=; no amino-acid change (arginine 1753 retained).
Molecular consequence: synonymous variant.
Genome position (GRCh38, 1-based): chr16:2,088,325, G>A. VCF-style: chr16-2088325-G-A. GRCh37 (hg19) VCF-style: chr16-2138326-G-A.
Other names: c.5058G>A, p.Arg1686= (NM_001077183.3); c.5190G>A, p.Arg1730= (NM_001114382.3); c.4950G>A, p.Arg1650= (NM_001318827.2); c.4914G>A, p.Arg1638= (NM_001318829.2); c.4527G>A, p.Arg1509= (NM_001318831.2); c.5091G>A, p.Arg1697= (NM_001318832.2); c.5061G>A, p.Arg1687= (NM_001363528.2); c.5127G>A, p.Arg1709= (NM_001370404.1); and 2 more.
Identifiers: ClinVar variation 406042 (VCV000406042.11), dbSNP rs1060500945, ClinGen allele CA16614799.